The following is an entry in ClinVar:

ClinVar aggregate classification (germline): Uncertain significance (1 of 4 stars; one submission).

Conditions:
Hypertrophic cardiomyopathy. Also called: HYPERTROPHIC MYOCARDIOPATHY. Identifiers: Orphanet 217569, MedGen C0007194, MeSH D002312, MONDO:0005045, HP:0001639.

Allele frequency attached by ClinVar (database versions not stated): gnomAD exomes below 0.00001; TOPMed below 0.00001.
gnomAD v4.1: 3 of 1,614,058 alleles (0.00019%); highest among the groups gnomAD compares: Non-Finnish European, 0.00017%; no homozygotes.

Submission:

Labcorp Genetics (formerly Invitae), Labcorp
Classification: Uncertain significance for Hypertrophic cardiomyopathy. Last evaluated: 2018-09-08. Review status: criteria provided, single submitter. Criteria: Invitae Variant Classification Sherloc (09022015). Collection method: clinical testing. Allele origin: germline.
Comment: This sequence change replaces leucine with phenylalanine at codon 170 of the MYOZ2 protein (p.Leu170Phe). The leucine residue is moderately conserved and there is a small physicochemical difference between leucine and phenylalanine. This variant is not present in population databases (ExAC no frequency). This variant has not been reported in the literature in individuals with MYOZ2-related disease. Algorithms developed to predict the effect of missense changes on protein structure and function output the following: SIFT: "Tolerated"; PolyPhen-2: "Benign"; Align-GVGD: "Class C0". The phenylalanine amino acid residue is found in multiple mammalian species, suggesting that this missense change does not adversely affect protein function. These predictions have not been confirmed by published functional studies and their clinical significance is uncertain. In summary, the available evidence is currently insufficient to determine the role of this variant in disease. Therefore, it has been classified as a Variant of Uncertain Significance.

NM_016599.5(MYOZ2):c.508C>T (p.Leu170Phe)

Gene: MYOZ2 (myozenin 2; plus strand). Cytogenetic location: 4q26.
Variant type: single nucleotide variant.
Coding change: c.508C>T on transcript NM_016599.5 (MANE Select); coding-DNA position 508, C replaced by T.
Protein change: p.Leu170Phe; replaces leucine 170 with phenylalanine.
Molecular consequence: missense variant.
Genome position (GRCh38, 1-based): chr4:119,164,342, C>T. VCF-style: chr4-119164342-C-T. GRCh37 (hg19) VCF-style: chr4-120085497-C-T.
Other names: short protein forms L170F.
Identifiers: ClinVar variation 655343 (VCV000655343.5), dbSNP rs1578738559, ClinGen allele CA358204358.
Genomic context (GRCh38, chr4:119,164,342, plus strand): 5'-TCTCCCTGGGAACAAGCCATTAGCAATGATCCGGAGCTTTTAGAGGCTTTATATCCTAAA[C>T]TTTTCAAGCCTGAAGGAAAGGCAGAACTGCCTGATTACAGGAGCTTTAACAGGTAATTCA-3'
Protein context (NP_057683.1, residues 160-180): PELLEALYPK[Leu170Phe]FKPEGKAELP